The following is an entry in ClinVar:

ClinVar aggregate classification (germline): Likely pathogenic. Review status: criteria provided, multiple submitters, no conflicts (2 of 4 stars). 7 submissions from 7 submitters: Likely pathogenic (7). Last evaluated 2026-10-03.

Conditions:
TTN-related disorder. Also called: TTN-related condition; TTN-related disease; TTN-related disorders.
Autosomal recessive limb-girdle muscular dystrophy type 2J (LGMDR10). Also called: Limb-girdle muscular dystrophy, type 2J; MUSCULAR DYSTROPHY, LIMB-GIRDLE, AUTOSOMAL RECESSIVE 10. Identifiers: Orphanet 140922, MedGen C1837342, MONDO:0012127, OMIM 608807.
Dilated cardiomyopathy 1G (CMD1G). Identifiers: Orphanet 154, MedGen C1858763, MONDO:0011400, OMIM 604145.
Cardiovascular phenotype. Identifiers: MedGen CN230736.
Primary familial dilated cardiomyopathy (FDC). Also called: Hypokinetic dilated cardiomyopathy, familial; Familial dilated cardiomyopathy. Identifiers: Orphanet 217607, MedGen C0340427, MONDO:0016333.
Cardiomyopathy (CMYO). Also called: Cardiomyopathies. Identifiers: Orphanet 167848, MedGen C0878544, MONDO:0004994, HP:0001638. Inheritance: Various modes of inheritance.

Allele frequency attached by ClinVar (database versions not stated): gnomAD exomes below 0.00001.
gnomAD v4.1: 2 of 1,575,286 alleles (0.00013%); highest among the groups gnomAD compares: Admixed American, 0.0017%; no homozygotes.

Submissions (7):

GeneDx
Classification: Likely pathogenic. Last evaluated: 2026-10-03. Review status: criteria provided, single submitter. Criteria: GeneDx Variant Classification Process June 2021. Collection method: clinical testing. Allele origin: germline.
Comment: Canonical splice site variant predicted to result in a null allele in a gene for which loss of function is a known mechanism of disease; Not observed at significant frequency in large population cohorts (gnomAD); Located in the A-band, a region of TTN for which truncating variants are significantly associated with autosomal dominant cardiomyopathy and also with autosomal recessive skeletal myopathies (PMID: 22335739, 32778822); This variant is associated with the following publications: (PMID: 33996946, 22335739, 32778822)

Women's Health and Genetics/Laboratory Corporation of America, LabCorp
Classification: Likely pathogenic for Primary familial dilated cardiomyopathy. Last evaluated: 2026-01-05. Review status: criteria provided, single submitter. Criteria: LabCorp Variant Classification Summary - May 2015. Collection method: clinical testing. Allele origin: germline.
Comment: Variant summary: TTN c.47107+1G>A is located in a canonical splice-site and is predicted to affect mRNA splicing resulting in a significantly altered protein due to either exon skipping, shortening, or inclusion of intronic material. Variants that disrupt the consensus splice site are a relatively common cause of aberrant splicing and loss of TTN function. Loss of function variants in all TTN bands are strongly associated with a spectrum of autosomal recessive titinopathies when exon expression (proportion spliced in, PSI, 1=complete expression) in skeletal muscle is >0.1 (PMID: 36977548, 39198997, 29598826, 32778822, 29691892, 33449170, 36977548, internal data). In contrast, loss of function variants in all TTN bands are only strongly associated with autosomal dominant TTN-related cardiomyopathies if located in exons constitutively expressed (PSI >0.9) in cardiac muscle, excluding extreme C-terminal exons 359-363 (PMID: 25589632, 31216868, 32964742, 34662387, 27869827, Shetty et al., Nat Cardiovasc Res 2024,, internal data). This variant has a maximum skeletal muscle PSI of 0.961 and a maximum cardiac muscle PSI of 1.000. Several computational tools predict a significant impact on normal splicing: Four predict the variant abolishes a 5' splicing donor site. However, these predictions have yet to be confirmed by functional studies. The variant allele was found at a frequency of 4.1e-06 in 241320 control chromosomes. c.47107+1G>A has been observed in the presumed heterozygous state in at least 2 individual(s) affected with Dilated Cardiomyopathy (example, Xiao_2021, internal data). These report(s) do not provide unequivocal conclusions about association of the variant with Dilated Cardiomyopathy. To our knowledge, no experimental evidence demonstrating an impact on protein function has been reported. The following publication has been ascertained in the context of this evaluation (PMID: 33996946). ClinVar contains an entry for this variant (Variation ID: 849575). Based on the evidence outlined above, the variant was classified as likely pathogenic for both autosomal dominant and autosomal recessive TTN-related conditions.

Labcorp Genetics (formerly Invitae), Labcorp
Classification: Likely pathogenic for Dilated cardiomyopathy 1G; Autosomal recessive limb-girdle muscular dystrophy type 2J. Last evaluated: 2025-02-20. Review status: criteria provided, single submitter. Criteria: Invitae Variant Classification Sherloc (09022015). Collection method: clinical testing. Allele origin: germline.
Comment: This sequence change affects a donor splice site in intron 282 of the TTN gene. It is expected to disrupt RNA splicing and likely results in a truncated or disrupted TTN protein. This variant is present in population databases (no rsID available, gnomAD 0.003%). Disruption of this splice site has been observed in individual(s) with dilated cardiomyopathy (PMID: 33996946; internal data). ClinVar contains an entry for this variant (Variation ID: 849575). Algorithms developed to predict the effect of sequence changes on RNA splicing suggest that this variant may disrupt the consensus splice site. This variant is located in the A band of TTN (PMID: 25589632). Truncating variants in this region are significantly overrepresented in patients affected with dilated cardiomyopathy (PMID: 25589632). Truncating variants in this region have also been reported in individuals affected with autosomal recessive centronuclear myopathy (PMID: 23975875). In summary, the currently available evidence indicates that the variant is pathogenic, but additional data are needed to prove that conclusively. Therefore, this variant has been classified as Likely Pathogenic.

CHEO Genetics Diagnostic Laboratory, Children's Hospital of Eastern Ontario
Classification: Likely pathogenic for Cardiomyopathy. Last evaluated: 2023-05-16. Review status: criteria provided, single submitter. Criteria: ACMG Guidelines, 2015. Collection method: clinical testing. Allele origin: germline.

Ambry Genetics
Classification: Likely pathogenic for Cardiovascular phenotype. Last evaluated: 2023-05-15. Review status: criteria provided, single submitter. Criteria: Ambry Variant Classification Scheme 2023. Collection method: clinical testing. Allele origin: germline.
Comment: The c.27616+1G>A intronic alteration consists of a G to A substitution one nucleotide after exon 110 (coding exon 109) of the TTN gene. Alterations that disrupt the canonical splice site are expected to cause aberrant splicing, resulting in an abnormal protein or a transcript that is subject to nonsense-mediated mRNA decay. This variant was not reported in population-based cohorts in the Genome Aggregation Database (gnomAD). This nucleotide position is highly conserved in available vertebrate species. Exon 110 (coding exon 109) is located in the A-band region of the N2-B isoform of the titin protein and is constitutively expressed in TTN transcripts. In silico splice site analysis predicts that this alteration will weaken the native splice donor site and will result in the creation or strengthening of a novel splice donor site. Based on the available evidence, this alteration is classified as likely pathogenic.

Blueprint Genetics
Classification: Likely pathogenic for TTN-related disorders. Last evaluated: 2021-09-01. Review status: criteria provided, single submitter. Criteria: ACMG Guidelines, 2015. Collection method: clinical testing. Allele origin: germline. Affected: yes. Observed: 1 variant allele.

Revvity Omics, Revvity
Classification: Likely pathogenic. Last evaluated: 2019-10-31. Review status: criteria provided, single submitter. Criteria: ACMG Guidelines, 2015. Collection method: clinical testing. Allele origin: germline.

Literature cited by the submitters: PubMed 33996946 (cited by Women's Health and Genetics/Laboratory Corporation of America, LabCorp and Labcorp Genetics (formerly Invitae), Labcorp); PubMed 25589632 (cited by Labcorp Genetics (formerly Invitae), Labcorp and Ambry Genetics); PubMed 23975875 (cited by Labcorp Genetics (formerly Invitae), Labcorp); PubMed 22335739 (cited by Ambry Genetics); PubMed 27869827 (cited by Ambry Genetics).

NM_001267550.2(TTN):c.54811+1G>A

Genes: TTN (titin; minus strand), TTN-AS1 (TTN antisense RNA 1; plus strand). Cytogenetic location: 2q31.2.
Variant type: single nucleotide variant.
Coding change: c.54811+1G>A on transcript NM_001267550.2 (MANE Select); the canonical splice donor site of the intron after coding-DNA position 54811, G replaced by A.
Molecular consequence: splice donor variant.
Genome position (GRCh38, 1-based): chr2:178,603,875, C>T on the plus strand (G>A on the coding strand, the complement: TTN is on the minus strand). VCF-style: chr2-178603875-C-T. GRCh37 (hg19) VCF-style: chr2-179468602-C-T.
Other names: c.27616+1G>A (NM_003319.4); c.28192+1G>A (NM_133437.4); c.27991+1G>A (NM_133432.3); c.47107+1G>A (NM_133378.4); c.49888+1G>A (NM_001256850.1).
Identifiers: ClinVar variation 849575 (VCV000849575.18), dbSNP rs1205836993, ClinGen allele CA349549442.